The following is an entry in ClinVar:

NM_005633.4(SOS1):c.2511-3C>G

Gene: SOS1 (SOS Ras/Rac guanine nucleotide exchange factor 1; minus strand). Cytogenetic location: 2p22.1.
Variant type: single nucleotide variant.
Coding change: c.2511-3C>G on transcript NM_005633.4 (MANE Select); 3 bases into the intron before coding-DNA position 2511, C replaced by G.
Molecular consequence: intron variant.
Genome position (GRCh38, 1-based): chr2:39,007,196, G>C on the plus strand (C>G on the coding strand, the complement: SOS1 is on the minus strand). VCF-style: chr2-39007196-G-C. GRCh37 (hg19) VCF-style: chr2-39234337-G-C.
Other names: c.2490-3C>G (NM_001382394.1); c.2511-3C>G (NM_001382395.1).
Identifiers: ClinVar variation 3722043 (VCV003722043.2).

ClinVar aggregate classification (germline): Uncertain significance (1 of 4 stars; one submission).

Conditions:
RASopathy. Also called: Noonan spectrum disorder; rasopathies. Identifiers: Orphanet 536391, MedGen C5555857, MONDO:0021060.

Submission:

Labcorp Genetics (formerly Invitae), Labcorp
Classification: Uncertain significance for RASopathy. Last evaluated: 2024-10-02. Review status: criteria provided, single submitter. Criteria: Invitae Variant Classification Sherloc (09022015). Collection method: clinical testing. Allele origin: germline.
Comment: This sequence change falls in intron 15 of the SOS1 gene. It does not directly change the encoded amino acid sequence of the SOS1 protein. It affects a nucleotide within the consensus splice site. This variant is not present in population databases (gnomAD no frequency). This variant has not been reported in the literature in individuals affected with SOS1-related conditions. Variants that disrupt the consensus splice site are a relatively common cause of aberrant splicing (PMID: 17576681, 9536098). Algorithms developed to predict the effect of sequence changes on RNA splicing suggest that this variant may disrupt the consensus splice site. In summary, the available evidence is currently insufficient to determine the role of this variant in disease. Therefore, it has been classified as a Variant of Uncertain Significance.

Literature cited by the submitters: PubMed 17576681; PubMed 9536098.